The following is an entry in ClinVar:

NM_007194.4(CHEK2):c.495_496insTCTCCCTCTCCCTCTCCCTCTCCCTCTCCCTCTCCCTCTCCCTCTCCCTCTCCCTCTCCCTCTCCCTCTCCCGTCTCCCTCCACGNNNNNNNNNNAAAAAAAAAAAAAAAAAAAAGAAGATCACAGTGGC (p.Asn166fs)

Gene: CHEK2 (checkpoint kinase 2; minus strand). Cytogenetic location: 22q12.1.
Variant type: Insertion.
Coding change: c.495_496insTCTCCCTCTCCCTCTCCCTCTCCCTCTCCCTCTCCCTCTCCCTCTCCCTCTCCCTCTCCCTCTCCCTCTCCCGTCTCCCTCCACGNNNNNNNNNNAAAAAAAAAAAAAAAAAAAAGAAGATCACAGTGGC on transcript NM_007194.4 (MANE Select); coding-DNA positions 495 to 496, TCTCCCTCTCCCTCTCCCTCTCCCTCTCCCTCTCCCTCTCCCTCTCCCTCTCCCTCTCCCTCTCCCTCTCCCGTCTCCCTCCACGNNNNNNNNNNAAAAAAAAAAAAAAAAAAAAGAAGATCACAGTGGC inserted.
Protein change: p.Asn166fs; shifts the reading frame from asparagine 166.
Molecular consequence: frameshift variant. On other transcripts: 5 prime UTR variant (2), intron variant (1).
Genome position: GRCh38: chr22:28,725,089-28,725,090. GRCh37 (hg19): chr22:29,121,077-29,121,078.
Other names: c.624_625insTCTCCCTCTCCCTCTCCCTCTCCCTCTCCCTCTCCCTCTCCCTCTCCCTCTCCCTCTCCCTCTCCCTCTCCCGTCTCCCTCCACGNNNNNNNNNNAAAAAAAAAAAAAAAAAAAAGAAGATCACAGTGGC, p.Asn209fs (NM_001005735.3, NM_001438294.1); c.-298_-283AGA[2]TCACAGTGGCTCTCCCTCTCCCTCTCCCTCTCCCTCTCCCTCTCCCTCTCCCTCTCCCTCTCCCTCTCCCTCTCCCTCTCCCGTCTCCCTCCACGNNNNNNNNNNAAAAAAAAAAAAAAAAAAAAGAAGATCACAGTGGC[1] (NM_001257387.3); c.-184_-169AGA[2]TCACAGTGGCTCTCCCTCTCCCTCTCCCTCTCCCTCTCCCTCTCCCTCTCCCTCTCCCTCTCCCTCTCCCTCTCCCTCTCCCGTCTCCCTCCACGNNNNNNNNNNAAAAAAAAAAAAAAAAAAAAGAAGATCACAGTGGC[1] (NM_001437942.1); c.588_589insTCTCCCTCTCCCTCTCCCTCTCCCTCTCCCTCTCCCTCTCCCTCTCCCTCTCCCTCTCCCTCTCCCTCTCCCGTCTCCCTCCACGNNNNNNNNNNAAAAAAAAAAAAAAAAAAAAGAAGATCACAGTGGC, p.Asn197fs (NM_001438293.1, NM_001438295.1); c.495_496insTCTCCCTCTCCCTCTCCCTCTCCCTCTCCCTCTCCCTCTCCCTCTCCCTCTCCCTCTCCCTCTCCCTCTCCCGTCTCCCTCCACGNNNNNNNNNNAAAAAAAAAAAAAAAAAAAAGAAGATCACAGTGGC, p.Asn166fs (NM_145862.3); c.445-151_445-150insAGAAGATCACAGTGGCTCTCCCTCTCCCTCTCCCTCTCCCTCTCCCTCTCCCTCTCCCTCTCCCTCTCCCTCTCCCTCTCCCTCTCCCGTCTCCCTCCACGNNNNNNNNNNAAAAAAAAAAAAAAAAAAA (NM_001349956.3); short protein forms N166fs, N209fs, N197fs.
Identifiers: ClinVar variation 1439901 (VCV001439901.7), dbSNP rs2146060162.

ClinVar aggregate classification (germline): Pathogenic (1 of 4 stars; one submission).

Conditions:
Familial cancer of breast. Also called: hereditary breast carcinoma; BREAST CANCER, FAMILIAL; Hereditary breast cancer. Identifiers: Orphanet 227535, MedGen C0346153, MONDO:0016419, OMIM 114480. Disease mechanism: loss of function.

Submission:

Labcorp Genetics (formerly Invitae), Labcorp
Classification: Pathogenic for Familial cancer of breast. Last evaluated: 2021-03-27. Review status: criteria provided, single submitter. Criteria: Invitae Variant Classification Sherloc (09022015). Collection method: clinical testing. Allele origin: germline.
Comment: This variant is not present in population databases (ExAC no frequency). This variant has not been reported in the literature in individuals with CHEK2-related conditions. Retrotransposon insertions including LINE1 (L1), Alu, and SVA (SINE-VNTR-Alu) have been reported to be disease-causing through disruption of either a coding region or splice site (PMID: 19763152, 20307669, 22406018) and loss-of-function variants in CHEK2 are known to be pathogenic (PMID: 21876083, 24713400). For these reasons, this variant has been classified as Pathogenic. This sequence change inserts a large fragment of DNA, likely a transposable element, in exon 4 of the CHEK2 gene (c.495_496ins?), causing a frameshift at codon 166 (p.Asn166fs). The exact size and sequence of the insertion cannot be determined by the current assay. However, the insertion is expected to result in an absent or disrupted protein product.

Literature cited by the submitters: PubMed 19763152; PubMed 20307669; PubMed 22406018; PubMed 21876083; PubMed 24713400.